The following is an entry in ClinVar:

ClinVar aggregate classification (germline): Pathogenic/Likely pathogenic. Review status: criteria provided, multiple submitters, no conflicts (2 of 4 stars). 6 submissions from 6 submitters: Pathogenic (1); Likely pathogenic (3). 2 of the submissions do not count toward it. Last evaluated 2026-04-27.

Conditions:
Idiopathic basal ganglia calcification 1 (PFBC1A). Also called: Familial Idiopathic Basal Ganglia Calcification 3; Primary Familial Brain Calcification; Familial Idiopathic Basal Ganglia Calcification 2; PRIMARY FAMILIAL BRAIN CALCIFICATION 1A, AUTOSOMAL DOMINANT; Fahr's syndrome; Cerebral calcification nonarteriosclerotic idiopathic adult-onset. Identifiers: Orphanet 1980, MedGen C4551624, MONDO:0024538, OMIM 213600.

Allele frequency attached by ClinVar (database versions not stated): gnomAD exomes below 0.00001.
gnomAD v4.1: 2 of 1,601,282 alleles (0.00012%); highest among the groups gnomAD compares: South Asian, 0.0011%; no homozygotes.

Submissions (6):

Institute of Medical Genetics and Applied Genomics, University Hospital Tübingen
Classification: Likely pathogenic for Idiopathic basal ganglia calcification 1. Last evaluated: 2026-04-27. Review status: criteria provided, single submitter. Criteria: ACMG Guidelines, 2015. Collection method: clinical testing. Allele origin: germline. Inheritance: Autosomal dominant inheritance. Affected: yes.

Victorian Clinical Genetics Services, Murdoch Childrens Research Institute
Classification: Pathogenic for Idiopathic basal ganglia calcification 1. Last evaluated: 2023-07-16. Review status: criteria provided, single submitter. Criteria: ACMG Guidelines, 2015. Collection method: clinical testing. Allele origin: germline. Inheritance: Autosomal dominant inheritance. Affected: yes.
Comment: Based on the classification scheme VCGS_Germline_v1.3.4, this variant is classified as Pathogenic. Following criteria are met: 0103 - Dominant negative and loss of function are known mechanisms of disease in this gene and are associated with basal ganglia calcification, idiopathic, 1 (MIM#213600). Missense variants can have both loss of function and dominant negative effects, while protein truncating variants are only known to have loss of function effects (PMID: 24209445, 23437308, 22327515, 27943094). (I) 0107 - This gene is associated with autosomal dominant disease. (I) 0115 - Variants in this gene are known to have variable expressivity. In two large pedigrees, mutation positive family members are all seen to have basal ganglia calcification but only some were symptomatic (PMID: 22327515). (I) 0200 - Variant is predicted to result in a missense amino acid change from glutamic acid to lysine. (I) 0251 - This variant is heterozygous. (I) 0301 - Variant is absent from gnomAD (both v2 and v3). (SP) 0501 - Missense variant consistently predicted to be damaging by multiple in silico tools or highly conserved with a major amino acid change. (SP) 0600 - Variant is located in the annotated phosphate transporter family domain (DECIPHER). (I) 0705 - No comparable missense variants have previous evidence for pathogenicity. (I) 0801 - This variant has strong previous evidence of pathogenicity in unrelated individuals. This variant has been classified as likely pathogenic by two clinical laboratories in ClinVar and observed in two individuals and one family with basal ganglia calcification in the literature (Schottlaender, 2013; PMID: 22327515, 30609140). (SP) 1002 - This variant has moderate functional evidence supporting abnormal protein function. This variant has been shown to significantly impair the transport of inorganic phosphate (PMID: 22327515). (SP) 1101 - Very strong and specific phenotype match for this individual. (SP) 1208 - Inheritance information for this variant is not currently available in this individual. (I) Legend: (SP) - Supporting pathogenic, (I) - Information, (SB) - Supporting benign

Greenwood Genetic Center Diagnostic Laboratories, Greenwood Genetic Center
Classification: Likely pathogenic for Idiopathic basal ganglia calcification 1. Last evaluated: 2021-07-13. Review status: criteria provided, single submitter. Criteria: ACMG Guidelines, 2015. Collection method: clinical testing. Allele origin: germline. Affected: yes.
Comment: PS3, PP2, PS4_Supporting, PM2

Molecular Diagnostics Laboratory, M Health Fairview: University of Minnesota
Classification: Likely pathogenic for Idiopathic basal ganglia calcification 1. Last evaluated: 2017-11-21. Review status: criteria provided, single submitter. Criteria: ACMG Guidelines, 2015. Collection method: clinical testing. Allele origin: germline. Affected: yes. Observed: 1 variant allele.

Solve-RD Consortium
Classification: Likely pathogenic for Idiopathic basal ganglia calcification 1. Last evaluated: 2022-06-01. Review status: no assertion criteria provided. Collection method: provider interpretation. Allele origin: inherited. Affected: yes. Not counted in ClinVar's aggregate classification.
Comment: Variant confirmed as disease-causing by referring clinical team

Variant identified during reanalysis of unsolved cases by the Solve-RD project. The Solve-RD project has received funding from the European Union’s Horizon 2020 research and innovation programme under grant agreement No 779257.

OMIM
Classification: Pathogenic for PRIMARY FAMILIAL BRAIN CALCIFICATION 1A, AUTOSOMAL DOMINANT. Last evaluated: 2012-02-12. Review status: no assertion criteria provided. Collection method: literature only. Allele origin: germline. Not counted in ClinVar's aggregate classification.

Literature cited by the submitters: PubMed 22327515 (cited by 3 submitters); PubMed 23437308 (cited by Victorian Clinical Genetics Services, Murdoch Childrens Research Institute); PubMed 24209445 (cited by Victorian Clinical Genetics Services, Murdoch Childrens Research Institute); PubMed 27943094 (cited by Victorian Clinical Genetics Services, Murdoch Childrens Research Institute); PubMed 30609140 (cited by Victorian Clinical Genetics Services, Murdoch Childrens Research Institute); PubMed 39825153 (cited by Solve-RD Consortium).

NM_001257180.2(SLC20A2):c.1723G>A (p.Glu575Lys)

Gene: SLC20A2 (solute carrier family 20 member 2; minus strand). Cytogenetic location: 8p11.21.
Variant type: single nucleotide variant.
Coding change: c.1723G>A on transcript NM_001257180.2 (MANE Select); coding-DNA position 1723, G replaced by A.
Protein change: p.Glu575Lys; replaces glutamic acid 575 with lysine.
Molecular consequence: missense variant.
Genome position (GRCh38, 1-based): chr8:42,428,829, C>T on the plus strand (G>A on the coding strand, the complement: SLC20A2 is on the minus strand). VCF-style: chr8-42428829-C-T. GRCh37 (hg19) VCF-style: chr8-42286347-C-T.
Other names: c.1723G>A, p.Glu575Lys (NM_001257181.2, NM_006749.5); c.1723G>A (NM_001257180.1); short protein forms E575K.
Identifiers: ClinVar variation 29796 (VCV000029796.10), dbSNP rs387906653, ClinGen allele CA259653.